The following is an entry in ClinVar:

NM_001385641.1(SAMD11):c.1832A>T (p.Lys611Met)

Gene: SAMD11 (sterile alpha motif domain containing 11; plus strand). Cytogenetic location: 1p36.33.
Variant type: single nucleotide variant.
Coding change: c.1832A>T on transcript NM_001385641.1 (MANE Select); coding-DNA position 1832, A replaced by T.
Protein change: p.Lys611Met; replaces lysine 611 with methionine.
Molecular consequence: missense variant.
Genome position (GRCh38, 1-based): chr1:942,837, A>T. VCF-style: chr1-942837-A-T. GRCh37 (hg19) VCF-style: chr1-878217-A-T.
Other names: c.1835A>T, p.Lys612Met (NM_001385640.1); c.1343A>T, p.Lys448Met (NM_152486.4); short protein forms K448M, K611M, K612M.
Identifiers: ClinVar variation 1713782 (VCV001713782.3), dbSNP rs1162995790, ClinGen allele CA337811386.

ClinVar aggregate classification (germline): Uncertain significance (1 of 4 stars; one submission).

Allele frequency attached by ClinVar (database versions not stated): TOPMed below 0.00001; gnomAD 0.00001.

Submission:

Labcorp Genetics (formerly Invitae), Labcorp
Classification: Uncertain significance. Last evaluated: 2022-07-25. Review status: criteria provided, single submitter. Criteria: Invitae Variant Classification Sherloc (09022015). Collection method: clinical testing. Allele origin: germline.
Comment: This sequence change replaces lysine, which is basic and polar, with methionine, which is neutral and non-polar, at codon 448 of the SAMD11 protein (p.Lys448Met). This variant is not present in population databases (gnomAD no frequency). This variant has not been reported in the literature in individuals affected with SAMD11-related conditions. Algorithms developed to predict the effect of missense changes on protein structure and function are either unavailable or do not agree on the potential impact of this missense change (SIFT: "Deleterious"; PolyPhen-2: "Probably Damaging"; Align-GVGD: "Class C0"). In summary, the available evidence is currently insufficient to determine the role of this variant in disease. Therefore, it has been classified as a Variant of Uncertain Significance.